The following is an entry in ClinVar:

ClinVar aggregate classification (germline): Uncertain significance (1 of 4 stars; one submission).

Conditions:
RASopathy. Also called: Noonan spectrum disorder; rasopathies. Identifiers: Orphanet 536391, MedGen C5555857, MONDO:0021060.

Allele frequency attached by ClinVar (database versions not stated): gnomAD exomes below 0.00001 and 0.00002; ExAC 0.00002.
gnomAD v4.1: 2 of 1,601,414 alleles (0.00012%); highest among the groups gnomAD compares: East Asian, 0.0045%; no homozygotes.

Submission:

Labcorp Genetics (formerly Invitae), Labcorp
Classification: Uncertain significance for RASopathy. Last evaluated: 2023-11-05. Review status: criteria provided, single submitter. Criteria: Invitae Variant Classification Sherloc (09022015). Collection method: clinical testing. Allele origin: germline.
Comment: This sequence change replaces tyrosine, which is neutral and polar, with phenylalanine, which is neutral and non-polar, at codon 631 of the SOS1 protein (p.Tyr631Phe). This variant is present in population databases (rs770664679, gnomAD 0.01%). This variant has not been reported in the literature in individuals affected with SOS1-related conditions. ClinVar contains an entry for this variant (Variation ID: 1406760). Advanced modeling of protein sequence and biophysical properties (such as structural, functional, and spatial information, amino acid conservation, physicochemical variation, residue mobility, and thermodynamic stability) has been performed at Invitae for this missense variant, however the output from this modeling did not meet the statistical confidence thresholds required to predict the impact of this variant on SOS1 protein function. In summary, the available evidence is currently insufficient to determine the role of this variant in disease. Therefore, it has been classified as a Variant of Uncertain Significance.

NM_005633.4(SOS1):c.1892A>T (p.Tyr631Phe)

Gene: SOS1 (SOS Ras/Rac guanine nucleotide exchange factor 1; minus strand). Cytogenetic location: 2p22.1.
Variant type: single nucleotide variant.
Coding change: c.1892A>T on transcript NM_005633.4 (MANE Select); coding-DNA position 1892, A replaced by T.
Protein change: p.Tyr631Phe; replaces tyrosine 631 with phenylalanine.
Molecular consequence: missense variant.
Genome position (GRCh38, 1-based): chr2:39,014,813, T>A on the plus strand (A>T on the coding strand, the complement: SOS1 is on the minus strand). VCF-style: chr2-39014813-T-A. GRCh37 (hg19) VCF-style: chr2-39241954-T-A.
Other names: c.1871A>T, p.Tyr624Phe (NM_001382394.1); c.1892A>T, p.Tyr631Phe (NM_001382395.1); short protein forms Y624F, Y631F.
Identifiers: ClinVar variation 1406760 (VCV001406760.6), dbSNP rs770664679, ClinGen allele CA1624519.